The following is an entry in ClinVar:

NM_001399.5(EDA):c.301C>T (p.Pro101Ser)

Gene: EDA (ectodysplasin A; plus strand). Cytogenetic location: Xq13.1.
Variant type: single nucleotide variant.
Coding change: c.301C>T on transcript NM_001399.5 (MANE Select); coding-DNA position 301, C replaced by T.
Protein change: p.Pro101Ser; replaces proline 101 with serine.
Molecular consequence: missense variant.
Genome position (GRCh38, 1-based): chrX:69,616,609, C>T. VCF-style: chrX-69616609-C-T. GRCh37 (hg19) VCF-style: chrX-68836453-C-T.
Other names: c.301C>T, p.Pro101Ser (NM_001005609.2, NM_001005610.4, NM_001005612.3 and 1 more transcripts); short protein forms P101S.
Identifiers: ClinVar variation 528361 (VCV000528361.7), dbSNP rs182251004, ClinGen allele CA10438860.

ClinVar aggregate classification (germline): Uncertain significance. Review status: criteria provided, single submitter (1 of 4 stars). 2 submissions from 2 submitters: Uncertain significance (1). 1 of the submissions does not count toward it. Last evaluated 2022-09-20.

Conditions:
Hypohidrotic X-linked ectodermal dysplasia (XHED). Also called: ECTODERMAL DYSPLASIA, HYPOHIDROTIC, 1; CST SYNDROME; ECTODERMAL DYSPLASIA 1; Ectodermal Dysplasia 1, Anhidrotic; Christ-Siemans-Touraine syndrome; Anhidrotic ectodermal dysplasia X-linked. Identifiers: Orphanet 181, Orphanet 238468, MedGen C0162359, MONDO:0010585, OMIM 305100.

Allele frequency attached by ClinVar (database versions not stated): TOPMed below 0.00001; ExAC 0.00002; gnomAD exomes 0.00002; gnomAD 0.00004; 1000 Genomes Project 30x 0.00083; 1000 Genomes Project 0.00106.
gnomAD v4.1: 17 of 1,209,847 alleles (0.0014%); highest among the groups gnomAD compares: Middle Eastern, 0.023%; no homozygotes.

Submissions (2):

Labcorp Genetics (formerly Invitae), Labcorp
Classification: Uncertain significance for Hypohidrotic X-linked ectodermal dysplasia. Last evaluated: 2022-09-20. Review status: criteria provided, single submitter. Criteria: Invitae Variant Classification Sherloc (09022015). Collection method: clinical testing. Allele origin: germline.
Comment: This sequence change replaces proline, which is neutral and non-polar, with serine, which is neutral and polar, at codon 101 of the EDA protein (p.Pro101Ser). This variant is present in population databases (rs182251004, gnomAD 0.02%). This variant has not been reported in the literature in individuals affected with EDA-related conditions. ClinVar contains an entry for this variant (Variation ID: 528361). Algorithms developed to predict the effect of missense changes on protein structure and function output the following: SIFT: "Deleterious"; PolyPhen-2: "Not Available"; Align-GVGD: "Class C0". The serine amino acid residue is found in multiple mammalian species, which suggests that this missense change does not adversely affect protein function. In summary, the available evidence is currently insufficient to determine the role of this variant in disease. Therefore, it has been classified as a Variant of Uncertain Significance.

Natera, Inc.
Classification: Uncertain significance for Christ-Siemens-Touraine syndrome. Last evaluated: 2021-02-22. Review status: no assertion criteria provided. Collection method: clinical testing. Allele origin: germline. Not counted in ClinVar's aggregate classification.